The following is an entry in ClinVar:

NM_014991.6(WDFY3):c.6798G>A (p.Ala2266=)

Gene: WDFY3 (WD repeat and FYVE domain containing 3; minus strand). Cytogenetic location: 4q21.23.
Variant type: single nucleotide variant.
Coding change: c.6798G>A on transcript NM_014991.6 (MANE Select); coding-DNA position 6798, G replaced by A.
Protein change: p.Ala2266=; no amino-acid change (alanine 2266 retained).
Molecular consequence: synonymous variant.
Genome position (GRCh38, 1-based): chr4:84,736,287, C>T on the plus strand (G>A on the coding strand, the complement: WDFY3 is on the minus strand). VCF-style: chr4-84736287-C-T. GRCh37 (hg19) VCF-style: chr4-85657440-C-T.
Identifiers: ClinVar variation 1879607 (VCV001879607.29), dbSNP rs779866062, ClinGen allele CA2992767.
Genomic context (GRCh38, chr4:84,736,287, plus strand): 5'-TGTTAACTTGGAAAGACCAAAGCCACTGCTGACACGGGATAATTTGGACTGTGTGGTGGG[C>T]GCTAAAGCTTCTCCTCGACTTATGCATTTCTTTTCATGGGCTATTAAAAAATCAAATTAG-3'
Protein context (NP_055806.2, residues 2256-2276): KKCISRGEAL[Ala2266=]PTTQSKLSRV

ClinVar aggregate classification (germline): Likely benign (1 of 4 stars; one submission).

Allele frequency attached by ClinVar (database versions not stated): ExAC 0.00005.
gnomAD v4.1: 20 of 1,607,946 alleles (0.0012%); highest among the groups gnomAD compares: Middle Eastern, 0.017%; no homozygotes.

Submission:

CeGaT Center for Human Genetics Tuebingen
Classification: Likely benign. Last evaluated: 2022-12-01. Review status: criteria provided, single submitter. Criteria: CeGaT Center For Human Genetics Tuebingen Variant Classification Criteria Version 2. Collection method: clinical testing. Allele origin: germline. Affected: yes. Observed: 1 variant allele.
Comment: WDFY3: BP4, BP7